The following is an entry in ClinVar:

ClinVar aggregate classification (germline): Conflicting classifications of pathogenicity. Review status: criteria provided, conflicting classifications (1 of 4 stars). 14 submissions from 14 submitters: Uncertain significance (12); Benign (1). 1 of the submissions does not count toward it. Last evaluated 2026-01-04.

Conditions:
Familial adenomatous polyposis 2. Also called: FAP type 2; Adenomas, multiple colorectal; MUTYH Polyposis; MYH-associated polyposis; MUTYH-associated polyposis; MUTYH-related attenuated familial adenomatous polyposis. Identifiers: Orphanet 220460, Orphanet 247798, MedGen C3272841, MONDO:0012041, OMIM 608456.
Gastric cancer. Also called: Stomach cancer; Malignant tumor of stomach. Identifiers: MedGen C0024623, MeSH D013274, MONDO:0001056, OMIM 613659, HP:0012126.
Hereditary cancer-predisposing syndrome. Also called: Tumor predisposition; Neoplastic Syndromes, Hereditary; Hereditary Cancer Syndrome; Hereditary neoplastic syndrome. Identifiers: Orphanet 140162, MedGen C0027672, MeSH D009386, MONDO:0015356.
Familial multiple polyposis syndrome (FAP). Also called: Classic familial adenomatous polyposis; Familial Adenomatous Polyposis (FAP); Familial adenomatous polyposis; Familial intestinal polyposis; Familial polyposis. Identifiers: Orphanet 733, MedGen C0032580, MONDO:0021055. Disease mechanism: loss of function.

Allele frequency attached by ClinVar (database versions not stated): ExAC 0.00001; gnomAD exomes 0.00001; TOPMed 0.00001; gnomAD 0.00002.

Submissions (14):

Labcorp Genetics (formerly Invitae), Labcorp
Classification: Uncertain significance for Familial adenomatous polyposis 2. Last evaluated: 2026-01-04. Review status: criteria provided, single submitter. Criteria: Invitae Variant Classification Sherloc (09022015). Collection method: clinical testing. Allele origin: germline.
Comment: This sequence change replaces arginine, which is basic and polar, with tryptophan, which is neutral and slightly polar, at codon 184 of the MUTYH protein (p.Arg184Trp). The frequency data for this variant in the population databases is considered unreliable, as metrics indicate poor data quality at this position in the gnomAD database. This missense change has been observed in individual(s) with clinical features of MUTYH-related conditions (PMID: 19531215, 27829682). This variant is also known as p.Arg170Trp. ClinVar contains an entry for this variant (Variation ID: 187318). An algorithm developed to predict the effect of missense changes on protein structure and function (PolyPhen-2) suggests that this variant is likely to be disruptive. In summary, the available evidence is currently insufficient to determine the role of this variant in disease. Therefore, it has been classified as a Variant of Uncertain Significance.

Center for Genomic Medicine, Rigshospitalet, Copenhagen University Hospital
Classification: Uncertain significance. Last evaluated: 2025-12-29. Review status: criteria provided, single submitter. Criteria: ACMG Guidelines, 2015. Collection method: clinical testing. Allele origin: germline.

Ambry Genetics
Classification: Benign for Hereditary cancer-predisposing syndrome. Last evaluated: 2025-09-17. Review status: criteria provided, single submitter. Criteria: Ambry Variant Classification Scheme 2023. Collection method: clinical testing. Allele origin: germline.

Women's Health and Genetics/Laboratory Corporation of America, LabCorp
Classification: Uncertain significance. Last evaluated: 2025-07-30. Review status: criteria provided, single submitter. Criteria: LabCorp Variant Classification Summary - May 2015. Collection method: clinical testing. Allele origin: germline.
Comment: Variant summary: MUTYH c.550C>T (p.Arg184Trp) results in a non-conservative amino acid change located in the HhH-GPD domain of the encoded protein sequence. Algorithms developed to predict the effect of missense changes on protein structure and function all suggest that this variant is likely to be disruptive. The variant allele was found at a frequency of 1.2e-05 in 251460 control chromosomes. The available data on variant occurrences in the general population are insufficient to allow any conclusion about variant significance.c.550C>T has been reported in an individual with multiple adenomas and colorectal cancer (Gomez-Fernandez_2009) and in an individual suspected of MAP (Ricci_2016), both without strong evidence of causality.. These report(s) do not provide unequivocal conclusions about association of the variant with MUTYH-Associated Polyposis. To our knowledge, no experimental evidence demonstrating an impact on protein function has been reported. The following publications have been ascertained in the context of this evaluation (PMID: 19531215, 27829682). ClinVar contains an entry for this variant (Variation ID: 187318). Based on the evidence outlined above, the variant was classified as uncertain significance.

Color Diagnostics, LLC DBA Color Health
Classification: Uncertain significance for Hereditary cancer-predisposing syndrome. Last evaluated: 2025-07-17. Review status: criteria provided, single submitter. Criteria: ACMG Guidelines, 2015. Collection method: clinical testing. Allele origin: germline.
Comment: This missense variant replaces arginine with tryptophan at codon 184 of the MUTYH protein. This variant is also known as c.508C>T (p.Arg170Trp) based on an alternative transcript (NM_001048171). Computational prediction is inconclusive regarding the impact of this variant on protein structure and function. To our knowledge, functional studies have not been reported for this variant. This variant has been reported in two individuals with suspected familial polyposis (PMID: 19531215, 27829682), one of whom also has a pathogenic MUTYH covariant (PMID: 27829682). This variant has been identified in 3/246270 chromosomes in the general population by the Genome Aggregation Database (gnomAD). The available evidence is insufficient to determine the role of this variant in disease conclusively. Therefore, this variant is classified as a Variant of Uncertain Significance.

Molecular Diagnostics Laboratory, Catalan Institute of Oncology
Classification: Uncertain significance for Hereditary cancer-predisposing syndrome. Last evaluated: 2024-09-15. Review status: criteria provided, single submitter. Criteria: ACMG Guidelines, 2015. Collection method: clinical testing. Allele origin: germline.
Comment: PP3 c.550C>T, located in exon 7 of the MUTYH gene, is predicted to result in the substitution of arginine by tryptophan at codon 184, p.(Arg184Trp). This position affects a (potentially) clinically important functional domain. This variant is found in 4/268276 alleles at a frequency of 0.001% in the gnomAD v2.1.1 database, non-cancer dataset and 0.003% in European Non-Finnish subpopulation. The SpliceAI algorithm predicts no significant impact on splicing. The REVEL meta-predictor score for this variant (0.648) suggests a deleterious effect on protein function according to Pejaver 2022 thresholds (PMID: 36413997) (PP3). To our knowledge, neither relevant clinical data nor well-stablished functional studies have been reported for this variant. This variant has been reported in the ClinVar database (10x uncertain significance), in the LOVD database (1x uncertain significance, 1x likely pathogenic), and in InSiGHT (classified as an uncertain significance variant). Based on currently available information, the variant c.550C>T should be considered an uncertain significance variant.

GeneDx
Classification: Uncertain significance. Last evaluated: 2024-06-11. Review status: criteria provided, single submitter. Criteria: GeneDx Variant Classification Process June 2021. Collection method: clinical testing. Allele origin: germline. Affected: yes.
Comment: Observed with a truncating MUTYH variant in individual(s) with colon polyps and cancer, but it is not known whether the variants occurred on the same (in cis) or on different (in trans) chromosomes (PMID: 27829682, 19531215); Not observed at significant frequency in large population cohorts (gnomAD); In silico analysis supports that this missense variant has a deleterious effect on protein structure/function; Also known as c.508C>T, p.Arg170Trp; This variant is associated with the following publications: (PMID: 27829682, 27498913, 19531215)

Fulgent Genetics
Classification: Uncertain significance for Familial adenomatous polyposis 2; Gastric cancer. Last evaluated: 2024-02-02. Review status: criteria provided, single submitter. Criteria: ACMG Guidelines, 2015. Collection method: clinical testing. Allele origin: germline.

All of Us Research Program, National Institutes of Health
Classification: Uncertain significance for Familial adenomatous polyposis 2. Last evaluated: 2023-10-02. Review status: criteria provided, single submitter. Criteria: ACMG Guidelines, 2015. Collection method: clinical testing. Allele origin: germline. Inheritance: Autosomal recessive inheritance. Observed: 2 variant alleles, 2 heterozygotes.
Comment: This missense variant replaces arginine with tryptophan at codon 184 of the MUTYH protein. This variant is also known as c.508C>T (p.Arg170Trp) based on an alternative transcript (NM_001048171). Computational prediction is inconclusive regarding the impact of this variant on protein structure and function (internally defined REVEL score threshold 0.5 < inconclusive < 0.7, PMID: 27666373). To our knowledge, functional studies have not been reported for this variant. This variant has been reported in two individuals with suspected familial polyposis (PMID: 19531215, 27829682) and one of whom also has a pathogenic MUTYH covariant (PMID: 27829682). This variant has been identified in 3/246270 chromosomes in the general population by the Genome Aggregation Database (gnomAD). The available evidence is insufficient to determine the role of this variant in disease conclusively. Therefore, this variant is classified as a Variant of Uncertain Significance.

This study involves interpretation of variants in research participants for the purpose of population health screening. Participant phenotype was not available at the time of variant classification. Additional details can be found in publication PMID: 35346344, PMCID: PMC8962531

Baylor Genetics
Classification: Uncertain significance for Familial adenomatous polyposis 2. Last evaluated: 2023-09-30. Review status: criteria provided, single submitter. Criteria: ACMG Guidelines, 2015. Collection method: clinical testing. Allele origin: unknown.

St. Jude Molecular Pathology, St. Jude Children's Research Hospital
Classification: Uncertain significance for Familial adenomatous polyposis. Last evaluated: 2021-05-13. Review status: criteria provided, single submitter. Criteria: St. Jude Assertion Criteria 2020. Collection method: clinical testing. Allele origin: germline.
Comment: The MUTYH c.466C>T (p.Arg156Trp) missense change has a maximum subpopulation frequency of 0.0031% in gnomAD v2.1.1 (PM2_supporting). Seven of seven in silico tools predict a deleterious effect of this variant on protein function (PP3), but to our knowledge these predictions have not been confirmed by functional assays. This variant has been reported in two individuals with colorectal cancer who both had a second variant in MUTYH, one classified as pathogenic and one classified as of uncertain significance (PMID: 27829682, 19531215). In both individuals, the phase of the variants (in cis or in trans) was not known (PM3_supporting). In summary, this variant meets criteria to be classified as of uncertain significance based on the ACMG/AMP criteria: PM2_supporting, PM3_supporting, PP3.

Quest Diagnostics Nichols Institute San Juan Capistrano
Classification: Uncertain significance. Last evaluated: 2020-12-04. Review status: criteria provided, single submitter. Criteria: Quest Diagnostics criteria. Collection method: clinical testing. Allele origin: unknown.

Laboratory for Molecular Medicine, Mass General Brigham Personalized Medicine
Classification: Uncertain significance. Last evaluated: 2017-03-06. Review status: criteria provided, single submitter. Criteria: LMM Criteria. Collection method: clinical testing. Allele origin: germline. Observed: 1 variant allele.
Comment: In addition, this variant has been identified in 1/66738 of European chromosomes by the Exome Aggregation Consortiu m (ExAC; dbSNP rs779997419). Although the p.Arg1 84Trp variant has been seen in the general population, its frequency is not high enough to rule out a pathogenic role. Computational prediction tools and conser vation analysis do not provide strong support for or against an impact to the pr otein. In summary, the clinical significance of the p.Arg184Trp variant is uncer tain.

Counsyl
Classification: Uncertain significance for Familial adenomatous polyposis 2. Last evaluated: 2016-05-10. Review status: no assertion criteria provided. Collection method: clinical testing. Allele origin: unknown. Not counted in ClinVar's aggregate classification.

Literature cited by the submitters: PubMed 19531215 (cited by 8 submitters); PubMed 27829682 (cited by 6 submitters); PubMed 31422818 (cited by Ambry Genetics).

NM_001048174.2(MUTYH):c.466C>T (p.Arg156Trp)

Gene: MUTYH (mutY DNA glycosylase; minus strand). Cytogenetic location: 1p34.1.
Variant type: single nucleotide variant.
Coding change: c.466C>T on transcript NM_001048174.2 (MANE Select); coding-DNA position 466, C replaced by T.
Protein change: p.Arg156Trp; replaces arginine 156 with tryptophan.
Molecular consequence: missense variant. On other transcripts: non-coding transcript variant (2).
Genome position (GRCh38, 1-based): chr1:45,332,789, G>A on the plus strand (C>T on the coding strand, the complement: MUTYH is on the minus strand). VCF-style: chr1-45332789-G-A. GRCh37 (hg19) VCF-style: chr1-45798461-G-A.
Other names: c.466C>T, p.Arg156Trp (NM_001048171.2, NM_001048173.2, NM_001293195.2); c.469C>T, p.Arg157Trp (NM_001048172.2); c.550C>T, p.Arg184Trp (NM_001128425.2); c.511C>T, p.Arg171Trp (NM_001293190.2); c.499C>T, p.Arg167Trp (NM_001293191.2); c.190C>T, p.Arg64Trp (NM_001293192.2, NM_001293196.2); c.121C>T, p.Arg41Trp (NM_001350650.2, NM_001350651.2); c.541C>T, p.Arg181Trp (NM_012222.3); short protein forms R184W, R170W, R156W, R167W, R171W, R181W, R41W, R64W.
Identifiers: ClinVar variation 187318 (VCV000187318.40), dbSNP rs779997419, ClinGen allele CA013832.